The following is an entry in ClinVar:

NM_001042492.3(NF1):c.1045A>G (p.Met349Val)

Gene: NF1 (neurofibromin 1; plus strand). Cytogenetic location: 17q11.2.
Variant type: single nucleotide variant.
Coding change: c.1045A>G on transcript NM_001042492.3 (MANE Select); coding-DNA position 1045, A replaced by G.
Protein change: p.Met349Val; replaces methionine 349 with valine.
Molecular consequence: missense variant.
Genome position (GRCh38, 1-based): chr17:31,200,578, A>G. VCF-style: chr17-31200578-A-G. GRCh37 (hg19) VCF-style: chr17-29527596-A-G.
Other names: c.1045A>G, p.Met349Val (NM_000267.4, NM_001128147.3); short protein forms M349V.
Identifiers: ClinVar variation 527516 (VCV000527516.11), dbSNP rs776050648, ClinGen allele CA8485673.
Genomic context (GRCh38, chr17:31,200,578, plus strand): 5'-AAAGCAAGTACTTACATCAATTGGGAAGATAACTCTGTCATTTTCCTACTTGTTCAGTCC[A>G]TGGTGGTTGATCTTAAGGTAACATGCTTATTCTTTCTCTACTACAAACTTTAAGAAAATT-3'
Protein context (NP_001035957.1, residues 339-359): NSVIFLLVQS[Met349Val]VVDLKNLLFN

ClinVar aggregate classification (germline): Uncertain significance. Review status: criteria provided, multiple submitters, no conflicts (2 of 4 stars). 4 submissions from 4 submitters: Uncertain significance (4). Last evaluated 2024-06-25.

Conditions:
Neurofibromatosis, type 1 (NF1). Also called: VON RECKLINGHAUSEN DISEASE; NEUROFIBROMATOSIS, TYPE I, SOMATIC; Peripheral type neurofibromatosis; Neurofibromatosis, type I. Identifiers: Orphanet 636, MedGen C0027831, MONDO:0018975, OMIM 162200. Disease mechanism: loss of function.
Cardiovascular phenotype. Identifiers: MedGen CN230736.
Hereditary cancer-predisposing syndrome. Also called: Neoplastic Syndromes, Hereditary; Tumor predisposition; Hereditary neoplastic syndrome; Hereditary Cancer Syndrome. Identifiers: Orphanet 140162, MedGen C0027672, MeSH D009386, MONDO:0015356.

Allele frequency attached by ClinVar (database versions not stated): gnomAD exomes below 0.00001; ExAC 0.00002.
gnomAD v4.1: 3 of 1,614,158 alleles (0.00019%); highest among the groups gnomAD compares: South Asian, 0.0011%; no homozygotes.

Submissions (4):

Labcorp Genetics (formerly Invitae), Labcorp
Classification: Uncertain significance for Neurofibromatosis, type 1. Last evaluated: 2024-06-25. Review status: criteria provided, single submitter. Criteria: Invitae Variant Classification Sherloc (09022015). Collection method: clinical testing. Allele origin: germline.
Comment: This sequence change replaces methionine, which is neutral and non-polar, with valine, which is neutral and non-polar, at codon 349 of the NF1 protein (p.Met349Val). This variant is present in population databases (rs776050648, gnomAD 0.002%). This variant has not been reported in the literature in individuals affected with NF1-related conditions. ClinVar contains an entry for this variant (Variation ID: 527516). Advanced modeling of protein sequence and biophysical properties (such as structural, functional, and spatial information, amino acid conservation, physicochemical variation, residue mobility, and thermodynamic stability) performed at Invitae indicates that this missense variant is not expected to disrupt NF1 protein function with a negative predictive value of 95%. In summary, the available evidence is currently insufficient to determine the role of this variant in disease. Therefore, it has been classified as a Variant of Uncertain Significance.

Ambry Genetics
Classification: Uncertain significance for Cardiovascular phenotype; Hereditary cancer-predisposing syndrome. Last evaluated: 2023-08-28. Review status: criteria provided, single submitter. Criteria: Ambry Variant Classification Scheme 2023. Collection method: clinical testing. Allele origin: germline.
Comment: The p.M349V variant (also known as c.1045A>G), located in coding exon 9 of the NF1 gene, results from an A to G substitution at nucleotide position 1045. The methionine at codon 349 is replaced by valine, an amino acid with highly similar properties. This amino acid position is highly conserved through mammals but not in all available vertebrate species. In addition, this alteration is predicted to be tolerated by in silico analysis. Since supporting evidence is limited at this time, the clinical significance of this alteration remains unclear.

Genome-Nilou Lab
Classification: Uncertain significance for Neurofibromatosis, type 1. Last evaluated: 2022-03-15. Review status: criteria provided, single submitter. Criteria: ACMG Guidelines, 2015. Collection method: clinical testing. Allele origin: germline. Affected: no.

Sema4
Classification: Uncertain significance for Hereditary cancer-predisposing syndrome. Last evaluated: 2021-10-24. Review status: criteria provided, single submitter. Criteria: Sema4 Curation Guidelines. Collection method: curation. Allele origin: germline.
Comment: The NF1 c.1045A>G (p.M349V) variant has been reported in heterozygosity in at least one individual with kidney cancer (PMID: 29684080). It was observed in 1/113734 chromosomes of the Non-Finnish European subpopulation in the large and broad cohorts of the Genome Aggregation Database (PMID: 32461654). The variant has been reported in ClinVar (Variation ID: 52751). Functional studies have not been performed, and in silico predictions of the variant's effect on protein function are inconclusive. The evidence is insufficient to meet ACMG/AMP criteria for classifying the variant as benign or pathogenic. Thus, the clinical significance of this variant is currently uncertain.

Literature cited by the submitters: PubMed 29684080 (cited by Sema4).